The following is an entry in ClinVar:

ClinVar aggregate classification (germline): Likely benign. Review status: criteria provided, single submitter (1 of 4 stars). 2 submissions from 2 submitters: Likely benign (1). 1 of the submissions does not count toward it. Last evaluated 2026-01-01.

Conditions:
C2CD3-related disorder. Also called: C2CD3-related condition.

Allele frequency attached by ClinVar (database versions not stated): gnomAD exomes 0.00011 and 0.00025; ExAC 0.00033; 1000 Genomes Project 30x 0.00047; 1000 Genomes Project 0.00060; TOPMed 0.00100; gnomAD 0.00104 and 0.00113; ESP Exome Variant Server 0.00139.
gnomAD v4.1: 317 of 1,613,948 alleles (0.02%); highest among the groups gnomAD compares: African/African-American, 0.4%; 2 homozygotes.

Submissions (2):

Labcorp Genetics (formerly Invitae), Labcorp
Classification: Likely benign. Last evaluated: 2026-01-01. Review status: criteria provided, single submitter. Criteria: Invitae Variant Classification Sherloc (09022015). Collection method: clinical testing. Allele origin: germline.

PreventionGenetics, part of Exact Sciences
Classification: Likely benign for C2CD3-related condition. Last evaluated: 2022-11-21. Review status: no assertion criteria provided. Collection method: clinical testing. Allele origin: germline. Not counted in ClinVar's aggregate classification.
Comment: This variant is classified as likely benign based on ACMG/AMP sequence variant interpretation guidelines (Richards et al. 2015 PMID: 25741868, with internal and published modifications).

NM_001286577.2(C2CD3):c.958C>G (p.Leu320Val)

Gene: C2CD3 (C2 domain containing 3 centriole elongation regulator; minus strand). Cytogenetic location: 11q13.4.
Variant type: single nucleotide variant.
Coding change: c.958C>G on transcript NM_001286577.2 (MANE Select); coding-DNA position 958, C replaced by G.
Protein change: p.Leu320Val; replaces leucine 320 with valine.
Molecular consequence: missense variant.
Genome position (GRCh38, 1-based): chr11:74,133,555, G>C on the plus strand (C>G on the coding strand, the complement: C2CD3 is on the minus strand). VCF-style: chr11-74133555-G-C. GRCh37 (hg19) VCF-style: chr11-73844600-G-C.
Other names: c.958C>G, p.Leu320Val (NM_015531.6); short protein forms L320V.
Identifiers: ClinVar variation 727935 (VCV000727935.11), dbSNP rs142633338, ClinGen allele CA6183088.